The following is an entry in ClinVar:

NM_144687.4(NLRP12):c.2683G>A (p.Glu895Lys)

Gene: NLRP12 (NLR family pyrin domain containing 12; minus strand). Cytogenetic location: 19q13.42.
Variant type: single nucleotide variant.
Coding change: c.2683G>A on transcript NM_144687.4 (MANE Select); coding-DNA position 2683, G replaced by A.
Protein change: p.Glu895Lys; replaces glutamic acid 895 with lysine.
Molecular consequence: missense variant.
Genome position (GRCh38, 1-based): chr19:53,801,300, C>T on the plus strand (G>A on the coding strand, the complement: NLRP12 is on the minus strand). VCF-style: chr19-53801300-C-T. GRCh37 (hg19) VCF-style: chr19-54304554-C-T.
Other names: c.2686G>A, p.Glu896Lys (NM_001277126.2); c.2683G>A, p.Glu895Lys (NM_001277129.1); short protein forms E896K, E895K.
Identifiers: ClinVar variation 4749353 (VCV004749353.1).

ClinVar aggregate classification (germline): Uncertain significance (1 of 4 stars; one submission).

Conditions:
Familial cold autoinflammatory syndrome 2 (FCAS2). Identifiers: Orphanet 247868, MedGen C2673198, MONDO:0012724, OMIM 611762.

gnomAD v4.1: 23 of 1,614,004 alleles (0.0014%); highest among the groups gnomAD compares: African/African-American, 0.027%; no homozygotes.

Submission:

Labcorp Genetics (formerly Invitae), Labcorp
Classification: Uncertain significance for Familial cold autoinflammatory syndrome 2. Last evaluated: 2025-02-11. Review status: criteria provided, single submitter. Criteria: Invitae Variant Classification Sherloc (09022015). Collection method: clinical testing. Allele origin: germline.
Comment: This sequence change replaces glutamic acid, which is acidic and polar, with lysine, which is basic and polar, at codon 895 of the NLRP12 protein (p.Glu895Lys). This variant is present in population databases (rs575519320, gnomAD 0.04%). This variant has not been reported in the literature in individuals affected with NLRP12-related conditions. An algorithm developed to predict the effect of missense changes on protein structure and function (PolyPhen-2) suggests that this variant is likely to be tolerated. In summary, the available evidence is currently insufficient to determine the role of this variant in disease. Therefore, it has been classified as a Variant of Uncertain Significance.